The following is an entry in ClinVar:

ClinVar aggregate classification (germline): Uncertain significance. Review status: criteria provided, multiple submitters, no conflicts (2 of 4 stars). 2 submissions from 2 submitters: Uncertain significance (2). Last evaluated 2021-09-08.

Conditions:
Emery-Dreifuss muscular dystrophy 4, autosomal dominant (EDMD4). Also called: EMERY-DREIFUSS MUSCULAR DYSTROPHY 4 WITH VARIABLE FEATURES. Identifiers: Orphanet 261, MedGen C2751807, MONDO:0013071, OMIM 612998.
Autosomal recessive ataxia, Beauce type. Also called: SYNE1-Related Autosomal Recessive Cerebellar Ataxia; Spinocerebellar ataxia, autosomal recessive 8; ATAXIA, RECESSIVE, OF BEAUCE; SYNE1 Deficiency. Identifiers: Orphanet 88644, MedGen C1853116, MONDO:0012549, OMIM 610743.

Allele frequency attached by ClinVar (database versions not stated): ExAC 0.00001; gnomAD exomes 0.00001; gnomAD 0.00005 and 0.00006; TOPMed 0.00005.
gnomAD v4.1: 44 of 1,614,040 alleles (0.0027%); highest among the groups gnomAD compares: African/African-American, 0.013%; no homozygotes.

Submissions (2):

Labcorp Genetics (formerly Invitae), Labcorp
Classification: Uncertain significance for Emery-Dreifuss muscular dystrophy 4, autosomal dominant; Autosomal recessive ataxia, Beauce type. Last evaluated: 2021-09-08. Review status: criteria provided, single submitter. Criteria: Invitae Variant Classification Sherloc (09022015). Collection method: clinical testing. Allele origin: germline.
Comment: This sequence change replaces leucine with methionine at codon 8608 of the SYNE1 protein (p.Leu8608Met). The leucine residue is highly conserved and there is a small physicochemical difference between leucine and methionine. This variant is present in population databases (rs748509032, ExAC 0.009%). This variant has not been reported in the literature in individuals affected with SYNE1-related conditions. ClinVar contains an entry for this variant (Variation ID: 595337). Algorithms developed to predict the effect of missense changes on protein structure and function are either unavailable or do not agree on the potential impact of this missense change (SIFT: "Deleterious"; PolyPhen-2: "Probably Damaging"; Align-GVGD: "Class C0"). In summary, the available evidence is currently insufficient to determine the role of this variant in disease. Therefore, it has been classified as a Variant of Uncertain Significance.

Eurofins Ntd Llc (ga)
Classification: Uncertain significance. Last evaluated: 2017-12-11. Review status: criteria provided, single submitter. Criteria: EGL Classification Definitions 2015. Collection method: clinical testing. Allele origin: germline. Observed: 1 variant allele, 1 heterozygote.

NM_182961.4(SYNE1):c.25966C>A (p.Leu8656Met)

Gene: SYNE1 (spectrin repeat containing nuclear envelope protein 1; minus strand). Cytogenetic location: 6q25.2.
Variant type: single nucleotide variant.
Coding change: c.25966C>A on transcript NM_182961.4 (MANE Select); coding-DNA position 25966, C replaced by A.
Protein change: p.Leu8656Met; replaces leucine 8656 with methionine.
Molecular consequence: missense variant.
Genome position (GRCh38, 1-based): chr6:152,133,311, G>T on the plus strand (C>A on the coding strand, the complement: SYNE1 is on the minus strand). VCF-style: chr6-152133311-G-T. GRCh37 (hg19) VCF-style: chr6-152454446-G-T.
Other names: c.2572C>A, p.Leu858Met (NM_001347701.2); c.2500C>A, p.Leu834Met (NM_001347702.2); c.25822C>A, p.Leu8608Met (NM_033071.5); short protein forms L8656M, L8608M, L858M, L834M.
Identifiers: ClinVar variation 595337 (VCV000595337.10), dbSNP rs748509032, ClinGen allele CA4052709.